The following is an entry in ClinVar:

NM_003482.4(KMT2D):c.4733A>G (p.Lys1578Arg)

Gene: KMT2D (lysine methyltransferase 2D; minus strand). Cytogenetic location: 12q13.12.
Variant type: single nucleotide variant.
Coding change: c.4733A>G on transcript NM_003482.4 (MANE Select); coding-DNA position 4733, A replaced by G.
Protein change: p.Lys1578Arg; replaces lysine 1578 with arginine.
Molecular consequence: missense variant.
Genome position (GRCh38, 1-based): chr12:49,045,928, T>C on the plus strand (A>G on the coding strand, the complement: KMT2D is on the minus strand). VCF-style: chr12-49045928-T-C. GRCh37 (hg19) VCF-style: chr12-49439711-T-C.
Other names: short protein forms K1578R.
Identifiers: ClinVar variation 1309633 (VCV001309633.2), dbSNP rs2120596360, ClinGen allele CA384643750.
Genomic context (GRCh38, chr12:49,045,928, plus strand): 5'-ATGATGTCCGACGTCTGGTCTGGCTTTGGCATTCAAAATTTCTGTGACTCACCTGGCTCT[T>C]TCACCTTCATGGGCACCAGCTCTGGAGGTGCAACAGGCGCTATGGAGAGAAGGACAAACG-3'
Protein context (NP_003473.3, residues 1568-1588): APPELVPMKV[Lys1578Arg]EPEPQYFRFE

ClinVar aggregate classification (germline): Uncertain significance (1 of 4 stars; one submission).

Submission:

GeneDx
Classification: Uncertain significance. Last evaluated: 2019-10-24. Review status: criteria provided, single submitter. Criteria: GeneDx Variant Classification Process June 2021. Collection method: clinical testing. Allele origin: germline. Affected: yes.
Comment: Not observed in large population cohorts (Lek et al., 2016); Has not been previously published as pathogenic or benign to our knowledge; In silico analysis, which includes protein predictors and evolutionary conservation, supports that this variant does not alter protein structure/function; In silico analysis, which includes splice predictors and evolutionary conservation, suggests this variant may impact gene splicing. In the absence of RNA/functional studies, the actual effect of this sequence change is unknown